The following is an entry in ClinVar:

ClinVar aggregate classification (germline): Conflicting classifications of pathogenicity. Review status: criteria provided, conflicting classifications (1 of 4 stars). 7 submissions from 7 submitters: Likely pathogenic (5); Uncertain significance (2). Last evaluated 2026-01-20.

Conditions:
ACTA2-related disorder. Also called: ACTA2-related condition; ACTA2-related disorders.
Familial thoracic aortic aneurysm and aortic dissection (TAAD). Also called: Thoracic aortic aneurysms and dissections. Identifiers: Orphanet 91387, MedGen C4707243, MONDO:0019625.
Aortic aneurysm, familial thoracic 6 (AAT6). Also called: FAMILIAL THORACIC AORTIC ANEURYSM WITH LIVEDO RETICULARIS AND IRIS FLOCCULI. Identifiers: MedGen C2673186, MONDO:0012730, OMIM 611788.

Allele frequency attached by ClinVar (database versions not stated): gnomAD exomes below 0.00001; TOPMed below 0.00001.
gnomAD v4.1: 4 of 1,613,066 alleles (0.00025%); highest among the groups gnomAD compares: South Asian, 0.0011%; no homozygotes.

Submissions (7):

Labcorp Genetics (formerly Invitae), Labcorp
Classification: Likely pathogenic for Aortic aneurysm, familial thoracic 6. Last evaluated: 2026-01-20. Review status: criteria provided, single submitter. Criteria: Invitae Variant Classification Sherloc (09022015). Collection method: clinical testing. Allele origin: germline.
Comment: This sequence change replaces alanine, which is neutral and non-polar, with valine, which is neutral and non-polar, at codon 140 of the ACTA2 protein (p.Ala140Val). This variant is not present in population databases (gnomAD no frequency). This missense change has been observed in individuals with clinical features of thoracic aortic aneurysm and dissection (TAAD) and/or thoracic aortic aneurysm and dissection (PMID: 24793577, 29907982, 38065521; internal data). ClinVar contains an entry for this variant (Variation ID: 44217). Invitae Evidence Modeling of protein sequence and biophysical properties (such as structural, functional, and spatial information, amino acid conservation, physicochemical variation, residue mobility, and thermodynamic stability) indicates that this missense variant is expected to disrupt ACTA2 protein function with a positive predictive value of 80%. In summary, the currently available evidence indicates that the variant is pathogenic, but additional data are needed to prove that conclusively. Therefore, this variant has been classified as Likely Pathogenic.

GeneDx
Classification: Uncertain significance. Last evaluated: 2025-09-16. Review status: criteria provided, single submitter. Criteria: GeneDx Variant Classification Process June 2021. Collection method: clinical testing. Allele origin: germline. Affected: yes.
Comment: Identified in patients with thoracic aortic aneurysms and aortic dissections referred for genetic testing at GeneDx and in published literature (PMID: 24793577, 29907982, 36053285); Not observed at significant frequency in large population cohorts (gnomAD); In silico analysis supports that this missense variant has a deleterious effect on protein structure/function; This variant is associated with the following publications: (PMID: 24793577, 36053285, 29907982)

Mayo Clinic Laboratories, Mayo Clinic
Classification: Likely pathogenic. Last evaluated: 2025-07-31. Review status: criteria provided, single submitter. Criteria: ACMG Guidelines, 2015. Collection method: clinical testing. Allele origin: germline. Observed: 1 variant allele.
Comment: PP2, PP3_moderate, PM2_supporting, PS4_moderate

Color Diagnostics, LLC DBA Color Health
Classification: Likely pathogenic for Familial thoracic aortic aneurysm and aortic dissection. Last evaluated: 2025-06-04. Review status: criteria provided, single submitter. Criteria: ACMG Guidelines, 2015. Collection method: clinical testing. Allele origin: germline.
Comment: This missense variant replaces alanine with valine at codon 140 of the ACTA2 protein. Computational prediction suggests that this variant may have a deleterious impact on protein structure and function. To our knowledge, functional studies have not been reported for this variant. This variant has been reported in at least twelve individuals from six families affected with thoracic aortic aneurysm and aortic dissection or related conditions (PMID: 24793577, 29907982, 36053285, 38065521communication with external laboratories, ClinVar variation ID: 44217). This variant has not been identified in the general population by the Genome Aggregation Database (gnomAD). Based on the available evidence, this variant is classified as Likely Pathogenic.

Ambry Genetics
Classification: Likely pathogenic for Familial thoracic aortic aneurysm and aortic dissection. Last evaluated: 2025-05-23. Review status: criteria provided, single submitter. Criteria: Ambry Variant Classification Scheme 2023. Collection method: clinical testing. Allele origin: germline.
Comment: The p.A140V variant (also known as c.419C>T), located in coding exon 4 of the ACTA2 gene, results from a C to T substitution at nucleotide position 419. The alanine at codon 140 is replaced by valine, an amino acid with similar properties. This alteration has been reported in individuals with thoracic aortic aneurysms and dissections (TAAD) and has demonstrated co-segregation with disease (Ambry internal data; GeneDx pers. comm.; Lerner-Ellis JP et al. Mol. Genet. Metab., 2014 Jun;112:171-6). This missense alteration is located in a region that has a low rate of benign missense variation (Lek M et al. Nature. 2016 Aug 18;536(7616):285-91; DECIPHER: Database of Chromosomal Imbalance and Phenotype in Humans using Ensembl Resources. Firth H.V. et al. 2009. Am.J.Hum.Genet. 84, 524-533 (DOI)). This variant is considered to be rare based on population cohorts in the Genome Aggregation Database (gnomAD). This amino acid position is highly conserved in available vertebrate species. In addition, this alteration is predicted to be deleterious by in silico analysis. Based on the majority of available evidence to date, this variant is likely to be pathogenic.

Laboratory for Molecular Medicine, Mass General Brigham Personalized Medicine
Classification: Uncertain significance. Last evaluated: 2019-07-03. Review status: criteria provided, single submitter. Criteria: LMM Criteria. Collection method: clinical testing. Allele origin: germline. Observed: 1 variant allele.
Comment: Disclaimer: This variant has not undergone full assessment. The following are preliminary notes: The p.Ala140Val variant in ACTA2 is absent from gnomAD with adequate coverage. Computational predictors predict that the variant is damaging. The residue is entirely conserved and no species harbor the variant amino acid. It has been reported as pathogenic (2013) and Uncertain significance (2014) by two high-volume clinical labs. The variant has been reported in 1 LMM patient with TAAD (Lerner-Ellis 2014) and 1 additional TAAD patient (Overwater 2018). Both had family histories.

Blueprint Genetics
Classification: Likely pathogenic for ACTA2-related disorders. Last evaluated: 2019-04-17. Review status: criteria provided, single submitter. Criteria: ACMG Guidelines, 2015. Collection method: clinical testing. Allele origin: germline. Affected: yes. Observed: 3 variant alleles.

Literature cited by the submitters: PubMed 24793577 (cited by 4 submitters); PubMed 29907982 (cited by 4 submitters); PubMed 38065521 (cited by 3 submitters); PubMed 36053285 (cited by 3 submitters).

NM_001613.4(ACTA2):c.419C>T (p.Ala140Val)

Gene: ACTA2 (actin alpha 2, smooth muscle; minus strand). Cytogenetic location: 10q23.31.
Variant type: single nucleotide variant.
Coding change: c.419C>T on transcript NM_001613.4 (MANE Select); coding-DNA position 419, C replaced by T.
Protein change: p.Ala140Val; replaces alanine 140 with valine.
Molecular consequence: missense variant.
Genome position (GRCh38, 1-based): chr10:88,941,820, G>A on the plus strand (C>T on the coding strand, the complement: ACTA2 is on the minus strand). VCF-style: chr10-88941820-G-A. GRCh37 (hg19) VCF-style: chr10-90701577-G-A.
Other names: p.A140V:GCG>GTG; c.419C>T, p.Ala140Val (NM_001141945.3, NM_001320855.2, NM_001406462.1 and 3 more transcripts); c.308C>T, p.Ala103Val (NM_001406466.1); c.290C>T, p.Ala97Val (NM_001406467.1, NM_001406468.1, NM_001406469.1); short protein forms A140V, A97V, A103V.
Identifiers: ClinVar variation 44217 (VCV000044217.25), dbSNP rs397516683, ClinGen allele CA006924.
Genomic context (GRCh38, chr10:88,941,820, plus strand): 5'-CTTGCTGTCCCGCCCAGCCACCTACCAGTTGTGCGTCCAGAGGCATAGAGAGACAGCACC[G>A]CCTGGATAGCCACATACATGGCTGGGACATTGAAAGTCTCAAACATAATCTGCAAAGCAA-3'
Protein context (NP_001604.1, residues 130-150): NVPAMYVAIQ[Ala140Val]VLSLYASGRT